The following is an entry in ClinVar:

ClinVar aggregate classification (germline): Benign/Likely benign. Review status: criteria provided, multiple submitters, no conflicts (2 of 4 stars). 2 submissions from 2 submitters: Benign (1); Likely benign (1). Last evaluated 2024-09-11.

Conditions:
Hereditary cancer-predisposing syndrome. Also called: Neoplastic Syndromes, Hereditary; Tumor predisposition; Hereditary Cancer Syndrome; Hereditary neoplastic syndrome. Identifiers: Orphanet 140162, MedGen C0027672, MeSH D009386, MONDO:0015356.
Hereditary diffuse gastric adenocarcinoma (HDGC). Also called: DIFFUSE GASTRIC AND LOBULAR BREAST CANCER SYNDROME. Identifiers: Orphanet 26106, MedGen C1708349, MONDO:0007648, OMIM 137215.

Submissions (2):

Myriad Genetics, Inc.
Classification: Benign for Hereditary diffuse gastric adenocarcinoma. Last evaluated: 2024-09-11. Review status: criteria provided, single submitter. Criteria: Myriad Autosomal Dominant, Autosomal Recessive and X-Linked Classification Criteria (2023). Collection method: clinical testing. Allele origin: unknown.
Comment: This variant is considered benign. This variant is a silent/synonymous amino acid change and it is not expected to impact splicing.

Ambry Genetics
Classification: Likely benign for Hereditary cancer-predisposing syndrome. Last evaluated: 2021-04-25. Review status: criteria provided, single submitter. Criteria: Ambry Variant Classification Scheme 2023. Collection method: clinical testing. Allele origin: germline.

NM_004360.5(CDH1):c.117C>T (p.Phe39=)

Gene: CDH1 (cadherin 1; plus strand). Cytogenetic location: 16q22.1.
Variant type: single nucleotide variant.
Coding change: c.117C>T on transcript NM_004360.5 (MANE Select); coding-DNA position 117, C replaced by T.
Protein change: p.Phe39=; no amino-acid change (phenylalanine 39 retained).
Molecular consequence: synonymous variant. On other transcripts: 5 prime UTR variant (2).
Genome position (GRCh38, 1-based): chr16:68,738,365, C>T. VCF-style: chr16-68738365-C-T. GRCh37 (hg19) VCF-style: chr16-68772268-C-T.
Other names: c.117C>T, p.Phe39= (NM_001317184.2); c.-1499C>T (NM_001317185.2); c.-1703C>T (NM_001317186.2).
Identifiers: ClinVar variation 1741823 (VCV001741823.3), dbSNP rs2543817010, ClinGen allele CA496149615.
Genomic context (GRCh38, chr16:68,738,365, plus strand): 5'-TTGGCTCTGCCAGGAGCCGGAGCCCTGCCACCCTGGCTTTGACGCCGAGAGCTACACGTT[C>T]ACGGTGCCCCGGCGCCACCTGGAGAGAGGCCGCGTCCTGGGCAGAGGTGAGGGCGCGCTG-3'
Protein context (NP_004351.1, residues 29-49): HPGFDAESYT[Phe39=]TVPRRHLERG